The following is an entry in ClinVar:

NM_003128.3(SPTBN1):c.5606G>A (p.Arg1869His)

Gene: SPTBN1 (spectrin beta, non-erythrocytic 1; plus strand). Cytogenetic location: 2p16.2.
Variant type: single nucleotide variant.
Coding change: c.5606G>A on transcript NM_003128.3 (MANE Select); coding-DNA position 5606, G replaced by A.
Protein change: p.Arg1869His; replaces arginine 1869 with histidine.
Molecular consequence: missense variant.
Genome position (GRCh38, 1-based): chr2:54,653,637, G>A. VCF-style: chr2-54653637-G-A. GRCh37 (hg19) VCF-style: chr2-54880774-G-A.
Other names: c.5567G>A, p.Arg1856His (NM_178313.3); short protein forms R1856H, R1869H.
Identifiers: ClinVar variation 4076217 (VCV004076217.1).

ClinVar aggregate classification (germline): Uncertain significance (1 of 4 stars; one submission).

Conditions:
Developmental delay, impaired speech, and behavioral abnormalities. Identifiers: MedGen C5561957, MONDO:0859178, OMIM 619475.

gnomAD v4.1: 16 of 1,613,736 alleles (0.00099%); highest among the groups gnomAD compares: East Asian, 0.0067%; no homozygotes.

Submission:

Laboratorio de Genetica e Diagnostico Molecular, Hospital Israelita Albert Einstein
Classification: Uncertain significance for Developmental delay, impaired speech, and behavioral abnormalities. Last evaluated: 2024-02-23. Review status: criteria provided, single submitter. Criteria: ACMG Guidelines, 2015. Collection method: clinical testing. Allele origin: germline. Affected: yes.
Comment: ACMG classification criteria: PM2 supporting, PP2 supporting